The following is an entry in ClinVar:

NM_001127464.1:c.9361G>A

Gene: ZNF469 (zinc finger protein 469; plus strand).
Variant type: single nucleotide variant.
Identifiers: ClinVar variation 4615434 (VCV004615434.1).

ClinVar aggregate classification (germline): Uncertain significance (1 of 4 stars; one submission).

Conditions:
Cardiovascular phenotype. Identifiers: MedGen CN230736.

Submission:

Ambry Genetics
Classification: Uncertain significance for Cardiovascular phenotype. Last evaluated: 2025-10-23. Review status: criteria provided, single submitter. Criteria: Ambry Variant Classification Scheme 2023. Collection method: clinical testing. Allele origin: germline.
Comment: The p.V3121M variant (also known as c.9361G>A), located in coding exon 2 of the ZNF469 gene, results from a G to A substitution at nucleotide position 9361. The valine at codon 3121 is replaced by methionine, an amino acid with highly similar properties. This amino acid position is highly conserved in available vertebrate species. In addition, this alteration is predicted to be tolerated by in silico analysis. Based on the available evidence, the clinical significance of this variant remains unclear.